The following is an entry in ClinVar:

ClinVar aggregate classification (germline): Uncertain significance (1 of 4 stars; one submission).

gnomAD v4.1: 5 of 1,613,622 alleles (0.00031%); highest among the groups gnomAD compares: East Asian, 0.0045%; no homozygotes.

Submission:

Labcorp Genetics (formerly Invitae), Labcorp
Classification: Uncertain significance. Last evaluated: 2023-08-19. Review status: criteria provided, single submitter. Criteria: Invitae Variant Classification Sherloc (09022015). Collection method: clinical testing. Allele origin: germline.
Comment: This sequence change replaces proline, which is neutral and non-polar, with leucine, which is neutral and non-polar, at codon 203 of the DLX5 protein (p.Pro203Leu). This variant is present in population databases (no rsID available, gnomAD 0.003%). This variant has not been reported in the literature in individuals affected with DLX5-related conditions. Advanced modeling of protein sequence and biophysical properties (such as structural, functional, and spatial information, amino acid conservation, physicochemical variation, residue mobility, and thermodynamic stability) performed at Invitae indicates that this missense variant is not expected to disrupt DLX5 protein function. In summary, the available evidence is currently insufficient to determine the role of this variant in disease. Therefore, it has been classified as a Variant of Uncertain Significance.

NM_005221.6(DLX5):c.608C>T (p.Pro203Leu)

Genes: DLX5 (distal-less homeobox 5; minus strand), LOC126860116 (CDK7 strongly-dependent group 2 enhancer GRCh37_chr7:96650255-96651454; plus strand). Cytogenetic location: 7q21.3.
Variant type: single nucleotide variant.
Coding change: c.608C>T on transcript NM_005221.6 (MANE Select); coding-DNA position 608, C replaced by T.
Protein change: p.Pro203Leu; replaces proline 203 with leucine.
Molecular consequence: missense variant.
Genome position (GRCh38, 1-based): chr7:97,020,998, G>A on the plus strand (C>T on the coding strand, the complement: DLX5 is on the minus strand). VCF-style: chr7-97020998-G-A. GRCh37 (hg19) VCF-style: chr7-96650310-G-A.
Other names: short protein forms P203L.
Identifiers: ClinVar variation 2980377 (VCV002980377.3), dbSNP rs145966633, ClinGen allele CA368261121.